The following is an entry in ClinVar:

ClinVar aggregate classification (germline): Uncertain significance (1 of 4 stars; one submission).

Conditions:
Retinitis pigmentosa 55 (RP55). Identifiers: Orphanet 791, MedGen C3150808, MONDO:0013312, OMIM 613575.
Bardet-Biedl syndrome 3 (BBS3). Identifiers: Orphanet 110, MedGen C1859564, MONDO:0010832, OMIM 600151.

Submission:

Labcorp Genetics (formerly Invitae), Labcorp
Classification: Uncertain significance for Retinitis pigmentosa 55; Bardet-Biedl syndrome 3. Last evaluated: 2022-08-23. Review status: criteria provided, single submitter. Criteria: Invitae Variant Classification Sherloc (09022015). Collection method: clinical testing. Allele origin: germline.
Comment: In summary, the available evidence is currently insufficient to determine the role of this variant in disease. Therefore, it has been classified as a Variant of Uncertain Significance. This variant is not present in population databases (gnomAD no frequency). This sequence change replaces glutamic acid, which is acidic and polar, with glycine, which is neutral and non-polar, at codon 107 of the ARL6 protein (p.Glu107Gly). This variant has not been reported in the literature in individuals affected with ARL6-related conditions. Algorithms developed to predict the effect of missense changes on protein structure and function are either unavailable or do not agree on the potential impact of this missense change (SIFT: "Deleterious"; PolyPhen-2: "Possibly Damaging"; Align-GVGD: "Class C0").

NM_001278293.3(ARL6):c.320A>G (p.Glu107Gly)

Gene: ARL6 (ARF like GTPase 6; plus strand). Cytogenetic location: 3q11.2.
Variant type: single nucleotide variant.
Coding change: c.320A>G on transcript NM_001278293.3 (MANE Select); coding-DNA position 320, A replaced by G.
Protein change: p.Glu107Gly; replaces glutamic acid 107 with glycine.
Molecular consequence: missense variant. On other transcripts: non-coding transcript variant (7).
Genome position (GRCh38, 1-based): chr3:97,785,020, A>G. VCF-style: chr3-97785020-A-G. GRCh37 (hg19) VCF-style: chr3-97503864-A-G.
Other names: c.320A>G, p.Glu107Gly (NM_001323513.2, NM_001323514.2, NM_032146.5 and 1 more transcripts); short protein forms E107G.
Identifiers: ClinVar variation 2096172 (VCV002096172.4), dbSNP rs201336340, ClinGen allele CA353587452.